The following is an entry in ClinVar:

NM_000760.4(CSF3R):c.1095C>A (p.Ser365Arg)

Gene: CSF3R (colony stimulating factor 3 receptor; minus strand). Cytogenetic location: 1p34.3.
Variant type: single nucleotide variant.
Coding change: c.1095C>A on transcript NM_000760.4 (MANE Select); coding-DNA position 1095, C replaced by A.
Protein change: p.Ser365Arg; replaces serine 365 with arginine.
Molecular consequence: missense variant.
Genome position (GRCh38, 1-based): chr1:36,471,623, G>T on the plus strand (C>A on the coding strand, the complement: CSF3R is on the minus strand). VCF-style: chr1-36471623-G-T. GRCh37 (hg19) VCF-style: chr1-36937224-G-T.
Other names: c.1095C>A, p.Ser365Arg (NM_156039.3, NM_172313.3); short protein forms S365R.
Identifiers: ClinVar variation 2799063 (VCV002799063.3), dbSNP rs763356452, ClinGen allele CA339421989.
Genomic context (GRCh38, chr1:36,471,623, plus strand): 5'-CAGGATGGCCCCAGCCTGGCCTGAGGGTCTCCAAGAAACCACATAACCTTGGATCCGTCC[G>T]CTGTCTTCCTCCAGGGGCACTGGCTGTGGGGCACAGGAGGAAAAAGAGAAGGGGATGTGC-3'
Protein context (NP_000751.1, residues 355-375): FWKPVPLEED[Ser365Arg]GRIQGYVVSW

ClinVar aggregate classification (germline): Uncertain significance (1 of 4 stars; one submission).

Conditions:
Autosomal recessive severe congenital neutropenia due to CSF3R deficiency. Also called: Neutropenia, severe congenital, 7, autosomal recessive. Identifiers: Orphanet 420702, MedGen C4310764, MONDO:0014865, OMIM 617014.

Submission:

Labcorp Genetics (formerly Invitae), Labcorp
Classification: Uncertain significance for Autosomal recessive severe congenital neutropenia due to CSF3R deficiency. Last evaluated: 2023-12-13. Review status: criteria provided, single submitter. Criteria: Invitae Variant Classification Sherloc (09022015). Collection method: clinical testing. Allele origin: germline.
Comment: This sequence change replaces serine, which is neutral and polar, with arginine, which is basic and polar, at codon 365 of the CSF3R protein (p.Ser365Arg). This variant is not present in population databases (gnomAD no frequency). This variant has not been reported in the literature in individuals affected with CSF3R-related conditions. Advanced modeling of protein sequence and biophysical properties (such as structural, functional, and spatial information, amino acid conservation, physicochemical variation, residue mobility, and thermodynamic stability) performed at Invitae indicates that this missense variant is not expected to disrupt CSF3R protein function with a negative predictive value of 80%. In summary, the available evidence is currently insufficient to determine the role of this variant in disease. Therefore, it has been classified as a Variant of Uncertain Significance.